The following is an entry in ClinVar:

NM_001079.4(ZAP70):c.422C>G (p.Ala141Gly)

Gene: ZAP70 (zeta chain of T cell receptor associated protein kinase 70; plus strand). Cytogenetic location: 2q11.2.
Variant type: single nucleotide variant.
Coding change: c.422C>G on transcript NM_001079.4 (MANE Select); coding-DNA position 422, C replaced by G.
Protein change: p.Ala141Gly; replaces alanine 141 with glycine.
Molecular consequence: missense variant.
Genome position (GRCh38, 1-based): chr2:97,725,111, C>G. VCF-style: chr2-97725111-C-G. GRCh37 (hg19) VCF-style: chr2-98341574-C-G.
Other names: c.422C>G, p.Ala141Gly (NM_001378594.1); short protein forms A141G.
Identifiers: ClinVar variation 1393109 (VCV001393109.6), dbSNP rs1677331539, ClinGen allele CA347792099.

ClinVar aggregate classification (germline): Uncertain significance (1 of 4 stars; one submission).

Conditions:
Combined immunodeficiency due to ZAP70 deficiency (IMD48). Also called: Immunodeficiency 48; ZAP70 Deficiency. Identifiers: Orphanet 911, MedGen C2931299, MONDO:0010023, OMIM 269840.

Submission:

Labcorp Genetics (formerly Invitae), Labcorp
Classification: Uncertain significance for Combined immunodeficiency due to ZAP70 deficiency. Last evaluated: 2022-07-19. Review status: criteria provided, single submitter. Criteria: Invitae Variant Classification Sherloc (09022015). Collection method: clinical testing. Allele origin: germline.
Comment: In summary, the available evidence is currently insufficient to determine the role of this variant in disease. Therefore, it has been classified as a Variant of Uncertain Significance. Algorithms developed to predict the effect of missense changes on protein structure and function are either unavailable or do not agree on the potential impact of this missense change (SIFT: "Not Available"; PolyPhen-2: "Probably Damaging"; Align-GVGD: "Not Available"). ClinVar contains an entry for this variant (Variation ID: 1393109). This variant has not been reported in the literature in individuals affected with ZAP70-related conditions. This variant is not present in population databases (gnomAD no frequency). This sequence change replaces alanine, which is neutral and non-polar, with glycine, which is neutral and non-polar, at codon 141 of the ZAP70 protein (p.Ala141Gly).